The following is an entry in ClinVar:

ClinVar aggregate classification (germline): Likely benign. Review status: criteria provided, multiple submitters, no conflicts (2 of 4 stars). 4 submissions from 4 submitters: Likely benign (4). Last evaluated 2025-11-26.

Conditions:
Cardiovascular phenotype. Identifiers: MedGen CN230736.
Arrhythmogenic right ventricular cardiomyopathy (ARVD). Also called: Arrhythmogenic cardiomyopathy; Cardiomyopathy, ARVC; Arrhythmogenic right ventricular dysplasia; Arrhythmogenic Right Ventricular Cardiomyopathy (ARVC). Identifiers: Orphanet 247, MedGen C0349788, MeSH D019571, MONDO:0016587. Disease mechanism: loss of function. Inheritance: Various modes of inheritance.
Cardiomyopathy (CMYO). Also called: Cardiomyopathies. Identifiers: Orphanet 167848, MedGen C0878544, MONDO:0004994, HP:0001638. Inheritance: Various modes of inheritance.
Arrhythmogenic right ventricular dysplasia 10. Also called: Arrhythmogenic Right Ventricular Dysplasia/Cardiomyopathy10; ARRHYTHMOGENIC RIGHT VENTRICULAR DYSPLASIA, FAMILIAL, 10; Arrhythmogenic right ventricular dysplasia/cardiomyopathy, type 10. Identifiers: MedGen C1857777, MONDO:0012434, OMIM 610193.

Allele frequency attached by ClinVar (database versions not stated): gnomAD 0.00001; gnomAD exomes 0.00001 and 0.00002; ExAC 0.00002; TOPMed 0.00002.
gnomAD v4.1: 25 of 1,613,850 alleles (0.0015%); highest among the groups gnomAD compares: African/African-American, 0.0027%; no homozygotes.

Submissions (4):

Ambry Genetics
Classification: Likely benign for Cardiovascular phenotype. Last evaluated: 2025-11-26. Review status: criteria provided, single submitter. Criteria: Ambry Variant Classification Scheme 2023. Collection method: clinical testing. Allele origin: germline.

Labcorp Genetics (formerly Invitae), Labcorp
Classification: Likely benign for Arrhythmogenic right ventricular dysplasia 10. Last evaluated: 2025-07-23. Review status: criteria provided, single submitter. Criteria: Invitae Variant Classification Sherloc (09022015). Collection method: clinical testing. Allele origin: germline.

All of Us Research Program, National Institutes of Health
Classification: Likely benign for Arrhythmogenic right ventricular cardiomyopathy. Last evaluated: 2023-12-01. Review status: criteria provided, single submitter. Criteria: ACMG Guidelines, 2015. Collection method: clinical testing. Allele origin: germline. Inheritance: Autosomal dominant inheritance. Observed: 3 variant alleles, 3 heterozygotes.
Comment: This study involves interpretation of variants in research participants for the purpose of population health screening. Participant phenotype was not available at the time of variant classification. Additional details can be found in publication PMID: 35346344, PMCID: PMC8962531

Color Diagnostics, LLC DBA Color Health
Classification: Likely benign for Cardiomyopathy. Last evaluated: 2022-01-04. Review status: criteria provided, single submitter. Criteria: ACMG Guidelines, 2015. Collection method: clinical testing. Allele origin: germline.

NM_001943.5(DSG2):c.379-4T>C

Gene: DSG2 (desmoglein 2; plus strand). Cytogenetic location: 18q12.1.
Variant type: single nucleotide variant.
Coding change: c.379-4T>C on transcript NM_001943.5 (MANE Select); 4 bases into the intron before coding-DNA position 379, T replaced by C.
Molecular consequence: intron variant.
Genome position (GRCh38, 1-based): chr18:31,521,095, T>C. VCF-style: chr18-31521095-T-C. GRCh37 (hg19) VCF-style: chr18-29101058-T-C.
Identifiers: ClinVar variation 747445 (VCV000747445.11), dbSNP rs753141182, ClinGen allele CA048581.